The following is an entry in ClinVar:

NM_030632.3(ASXL3):c.1597G>T (p.Val533Phe)

Gene: ASXL3 (ASXL transcriptional regulator 3; plus strand). Cytogenetic location: 18q12.1.
Variant type: single nucleotide variant.
Coding change: c.1597G>T on transcript NM_030632.3 (MANE Select); coding-DNA position 1597, G replaced by T.
Protein change: p.Val533Phe; replaces valine 533 with phenylalanine.
Molecular consequence: missense variant.
Genome position (GRCh38, 1-based): chr18:33,739,001, G>T. VCF-style: chr18-33739001-G-T. GRCh37 (hg19) VCF-style: chr18-31318965-G-T.
Other names: short protein forms V533F.
Identifiers: ClinVar variation 1321784 (VCV001321784.2), dbSNP rs2145412985, ClinGen allele CA402175930.
Genomic context (GRCh38, chr18:33,739,001, plus strand): 5'-CCTCATATTGAAGTTAAGATAGAAGGGAAGTCAGAATCACCCCAGGAAGAAATGACAGTT[G>T]TTATCGATCAGTTAGAAGTCTGTGACTCTCTTATTCCTTCCACTTCATCTATGACTCATG-3'
Protein context (NP_085135.1, residues 523-543): SESPQEEMTV[Val533Phe]IDQLEVCDSL

ClinVar aggregate classification (germline): Uncertain significance (1 of 4 stars; one submission).

Submission:

GeneDx
Classification: Uncertain significance. Last evaluated: 2021-04-26. Review status: criteria provided, single submitter. Criteria: GeneDx Variant Classification Process June 2021. Collection method: clinical testing. Allele origin: germline. Affected: yes.
Comment: Not observed in large population cohorts (Lek et al., 2016); In silico analysis supports that this missense variant does not alter protein structure/function; Has not been previously published as pathogenic or benign to our knowledge